The following is an entry in ClinVar:

ClinVar aggregate classification (germline): Pathogenic (0 of 4 stars; one submission).

Conditions:
Holoprosencephaly 2 (HPE2). Identifiers: Orphanet 2162, MedGen C1834877, MONDO:0007999, OMIM 157170.

Submission:

GeneReviews
Classification: Pathogenic for Holoprosencephaly. Last evaluated: 2013-08-29. Review status: no assertion criteria provided. Collection method: curation. Allele origin: unknown.
ClinVar note: Converted during submission from pathologic to Pathogenic.

NM_005413.4(SIX3):c.696_705del (p.Asn232fs)

Gene: SIX3 (SIX homeobox 3; plus strand). Cytogenetic location: 2p21.
Variant type: Deletion.
Coding change: c.696_705del on transcript NM_005413.4 (MANE Select); coding-DNA positions 696 to 705, 10 bases deleted (CCCCAGCAAG; older notation c.696_705delCCCCAGCAAG).
Protein change: p.Asn232fs; shifts the reading frame from asparagine 232.
Molecular consequence: frameshift variant.
Genome position (GRCh38, 1-based): chr2:44,942,800-44,942,809, CCCCAGCAAG deleted. VCF-style (leftmost placement, unchanged base first): chr2-44942799-ACCCCAGCAAG-A. GRCh37 (hg19) VCF-style: chr2-45169938-ACCCCAGCAAG-A.
Other names: 696-705del; short protein forms N232fs.
Identifiers: ClinVar variation 65501 (VCV000065501.3), dbSNP rs397515502, ClinGen allele CA344814.